The following is an entry in ClinVar:

NM_003805.5(CRADD):c.-6-7T>C

Gene: CRADD (CARD and death domain containing adaptor protein; plus strand). Cytogenetic location: 12q22.
Variant type: single nucleotide variant.
Coding change: c.-6-7T>C on transcript NM_003805.5 (MANE Select); 7 bases into the intron before 6 bases upstream of the start codon, T replaced by C.
Molecular consequence: intron variant.
Genome position (GRCh38, 1-based): chr12:93,678,762, T>C. VCF-style: chr12-93678762-T-C. GRCh37 (hg19) VCF-style: chr12-94072538-T-C.
Other names: c.-6-7T>C (NM_001320100.2, NM_001320101.3, NM_001320099.2).
Identifiers: ClinVar variation 1029756 (VCV001029756.2), dbSNP rs756888040, ClinGen allele CA6720088.

ClinVar aggregate classification (germline): Uncertain significance. Review status: criteria provided, multiple submitters, no conflicts (2 of 4 stars). 2 submissions from 2 submitters: Uncertain significance (2). Last evaluated 2024-03-25.

Conditions:
Intellectual developmental disorder, autosomal recessive 34, with variant lissencephaly. Also called: Intellectual disability, autosomal recessive 34. Identifiers: Orphanet 88616, MedGen C3281044, MONDO:0013785, OMIM 614499.

Allele frequency attached by ClinVar (database versions not stated): gnomAD 0.00001; TOPMed 0.00001; gnomAD exomes 0.00002 and 0.00001; ExAC 0.00001.
gnomAD v4.1: 19 of 1,605,072 alleles (0.0012%); highest among the groups gnomAD compares: Middle Eastern, 0.14%; no homozygotes.

Submissions (2):

Genomic Medicine Center of Excellence, King Faisal Specialist Hospital and Research Centre
Classification: Uncertain significance for Intellectual developmental disorder, autosomal recessive 34, with variant lissencephaly. Last evaluated: 2024-03-25. Review status: criteria provided, single submitter. Criteria: ACMG Guidelines, 2015. Collection method: clinical testing. Allele origin: germline.

Baylor Genetics
Classification: Uncertain significance for Intellectual developmental disorder, autosomal recessive 34, with variant lissencephaly. Last evaluated: 2020-06-09. Review status: criteria provided, single submitter. Criteria: ACMG Guidelines, 2015. Collection method: clinical testing. Allele origin: unknown. Affected: yes.
Comment: This variant was determined to be of uncertain significance according to ACMG Guidelines, 2015 [PMID:25741868].